The following is an entry in ClinVar:

ClinVar aggregate classification (germline): Uncertain significance (1 of 4 stars; one submission).

Conditions:
Inborn genetic diseases. Identifiers: MedGen C0950123, MeSH D030342.

Submission:

Ambry Genetics
Classification: Uncertain significance for Inborn genetic diseases. Last evaluated: 2023-02-23. Review status: criteria provided, single submitter. Criteria: Ambry Variant Classification Scheme 2023. Collection method: clinical testing. Allele origin: germline.
Comment: The p.V454L variant (also known as c.1360G>T), located in coding exon 6 of the ATR gene, results from a G to T substitution at nucleotide position 1360. The valine at codon 454 is replaced by leucine, an amino acid with highly similar properties. This amino acid position is conserved. In addition, this alteration is predicted to be tolerated by in silico analysis. Since supporting evidence is limited at this time, the clinical significance of this alteration remains unclear.

NM_001184.4(ATR):c.1360G>T (p.Val454Leu)

Gene: ATR (ATR checkpoint kinase; minus strand). Cytogenetic location: 3q23.
Variant type: single nucleotide variant.
Coding change: c.1360G>T on transcript NM_001184.4 (MANE Select); coding-DNA position 1360, G replaced by T.
Protein change: p.Val454Leu; replaces valine 454 with leucine.
Molecular consequence: missense variant. On other transcripts: intron variant (1).
Genome position (GRCh38, 1-based): chr3:142,560,444, C>A on the plus strand (G>T on the coding strand, the complement: ATR is on the minus strand). VCF-style: chr3-142560444-C-A. GRCh37 (hg19) VCF-style: chr3-142279286-C-A.
Other names: c.1349+799G>T (NM_001354579.2); short protein forms V454L.
Identifiers: ClinVar variation 2447383 (VCV002447383.2), dbSNP rs1289739042, ClinGen allele CA354823072.